The following is an entry in ClinVar:

NM_001148.6(ANK2):c.387T>A (p.Asn129Lys)

Gene: ANK2 (ankyrin 2; plus strand). Cytogenetic location: 4q26.
Variant type: single nucleotide variant.
Coding change: c.387T>A on transcript NM_001148.6 (MANE Select); coding-DNA position 387, T replaced by A.
Protein change: p.Asn129Lys; replaces asparagine 129 with lysine.
Molecular consequence: missense variant.
Genome position (GRCh38, 1-based): chr4:113,232,163, T>A. VCF-style: chr4-113232163-T-A. GRCh37 (hg19) VCF-style: chr4-114153319-T-A.
Other names: c.324T>A, p.Asn108Lys (NM_001127493.3, NM_001354239.2, NM_001354243.2 and 33 more transcripts); c.387T>A, p.Asn129Lys (NM_001354225.2, NM_001354228.2, NM_001354232.2 and 9 more transcripts); c.432T>A, p.Asn144Lys (NM_001354230.2, NM_001354231.2, NM_001354237.2 and 5 more transcripts); c.369T>A, p.Asn123Lys (NM_001354261.2, NM_001386147.1, NM_001386160.1); c.375T>A, p.Asn125Lys (NM_001354269.3, NM_001386148.2, NM_001386186.2 and 1 more transcripts); c.438T>A, p.Asn146Lys (NM_001386174.1, NM_001386175.1); short protein forms N108K, N129K, N125K, N146K, N123K, N144K.
Identifiers: ClinVar variation 1735798 (VCV001735798.2), dbSNP rs1585494307, ClinGen allele CA357914119.

ClinVar aggregate classification (germline): Uncertain significance (1 of 4 stars; one submission).

Conditions:
Cardiovascular phenotype. Identifiers: MedGen CN230736.

Submission:

Ambry Genetics
Classification: Uncertain significance for Cardiovascular phenotype. Last evaluated: 2019-09-30. Review status: criteria provided, single submitter. Criteria: Ambry Variant Classification Scheme 2023. Collection method: clinical testing. Allele origin: germline.
Comment: The p.N129K variant (also known as c.387T>A), located in coding exon 5 of the ANK2 gene, results from a T to A substitution at nucleotide position 387. The asparagine at codon 129 is replaced by lysine, an amino acid with similar properties. This amino acid position is highly conserved in available vertebrate species. In addition, this alteration is predicted to be tolerated by in silico analysis. Since supporting evidence is limited at this time, the clinical significance of this alteration remains unclear.